The following is an entry in ClinVar:

NM_015346.4(ZFYVE26):c.6645G>A (p.Gly2215=)

Gene: ZFYVE26 (zinc finger FYVE-type containing 26; minus strand). Cytogenetic location: 14q24.1.
Variant type: single nucleotide variant.
Coding change: c.6645G>A on transcript NM_015346.4 (MANE Select); coding-DNA position 6645, G replaced by A.
Protein change: p.Gly2215=; no amino-acid change (glycine 2215 retained).
Molecular consequence: synonymous variant.
Genome position (GRCh38, 1-based): chr14:67,756,089, C>T on the plus strand (G>A on the coding strand, the complement: ZFYVE26 is on the minus strand). VCF-style: chr14-67756089-C-T. GRCh37 (hg19) VCF-style: chr14-68222806-C-T.
Identifiers: ClinVar variation 507013 (VCV000507013.9), dbSNP rs1278427910, ClinGen allele CA486764388.
Genomic context (GRCh38, chr14:67,756,089, plus strand): 5'-TCCCCAGCTCTCCAAGGTTGGATCAATGGATTCTAGCAAGTTCTCCAAAGTGTGTAGCTT[C>T]CCACTTTTATAGCTTGGTTGGAAAATGCCTTCTATAAAAACTTCTGGAGGACTCTCCTGG-3'
Protein context (NP_056161.2, residues 2205-2225): EGIFQPSYKS[Gly2215=]KLHTLENLLE

ClinVar aggregate classification (germline): Likely benign. Review status: criteria provided, multiple submitters, no conflicts (2 of 4 stars). 2 submissions from 2 submitters: Likely benign (2). Last evaluated 2024-02-04.

Conditions:
Spastic paraplegia. Identifiers: MedGen C0037772, HP:0001258.

Allele frequency attached by ClinVar (database versions not stated): gnomAD 0.00001; gnomAD exomes 0.00001; TOPMed 0.00001.
gnomAD v4.1: 12 of 1,614,102 alleles (0.00074%); highest among the groups gnomAD compares: Admixed American, 0.0017%; no homozygotes.

Submissions (2):

Labcorp Genetics (formerly Invitae), Labcorp
Classification: Likely benign for Spastic paraplegia. Last evaluated: 2024-02-04. Review status: criteria provided, single submitter. Criteria: Invitae Variant Classification Sherloc (09022015). Collection method: clinical testing. Allele origin: germline.

GeneDx
Classification: Likely benign. Last evaluated: 2017-01-24. Review status: criteria provided, single submitter. Criteria: GeneDx Variant Classification (06012015). Collection method: clinical testing. Allele origin: germline. Affected: yes.
Comment: This variant is considered likely benign or benign based on one or more of the following criteria: it is a conservative change, it occurs at a poorly conserved position in the protein, it is predicted to be benign by multiple in silico algorithms, and/or has population frequency not consistent with disease.